The following is an entry in ClinVar:

ClinVar aggregate classification (germline): Uncertain significance (1 of 4 stars; one submission).

Conditions:
Glycine encephalopathy. Also called: Non-ketotic hyperglycinemia; Nonketotic hyperglycinemia. Identifiers: Orphanet 407, MedGen C0751748, MONDO:0011612, HP:0008288.

Submission:

Labcorp Genetics (formerly Invitae), Labcorp
Classification: Uncertain significance for Glycine encephalopathy. Last evaluated: 2022-11-01. Review status: criteria provided, single submitter. Criteria: Invitae Variant Classification Sherloc (09022015). Collection method: clinical testing. Allele origin: germline.
Comment: In summary, the available evidence is currently insufficient to determine the role of this variant in disease. Therefore, it has been classified as a Variant of Uncertain Significance. Advanced modeling of protein sequence and biophysical properties (such as structural, functional, and spatial information, amino acid conservation, physicochemical variation, residue mobility, and thermodynamic stability) performed at Invitae indicates that this missense variant is not expected to disrupt GLDC protein function. ClinVar contains an entry for this variant (Variation ID: 1460629). This variant has not been reported in the literature in individuals affected with GLDC-related conditions. This variant is not present in population databases (gnomAD no frequency). This sequence change replaces isoleucine, which is neutral and non-polar, with valine, which is neutral and non-polar, at codon 579 of the GLDC protein (p.Ile579Val).

NM_000170.3(GLDC):c.1735A>G (p.Ile579Val)

Gene: GLDC (glycine decarboxylase; minus strand). Cytogenetic location: 9p24.1.
Variant type: single nucleotide variant.
Coding change: c.1735A>G on transcript NM_000170.3 (MANE Select); coding-DNA position 1735, A replaced by G.
Protein change: p.Ile579Val; replaces isoleucine 579 with valine.
Molecular consequence: missense variant.
Genome position (GRCh38, 1-based): chr9:6,587,256, T>C on the plus strand (A>G on the coding strand, the complement: GLDC is on the minus strand). VCF-style: chr9-6587256-T-C. GRCh37 (hg19) VCF-style: chr9-6587256-T-C.
Other names: short protein forms I579V.
Identifiers: ClinVar variation 1460629 (VCV001460629.8), dbSNP rs2129832016, ClinGen allele CA372891782.